The following is an entry in ClinVar:

NM_001128178.3(NPHP1):c.417A>G (p.Glu139=)

Gene: NPHP1 (nephrocystin 1; minus strand). Cytogenetic location: 2q13.
Variant type: single nucleotide variant.
Coding change: c.417A>G on transcript NM_001128178.3 (MANE Select); coding-DNA position 417, A replaced by G.
Protein change: p.Glu139=; no amino-acid change (glutamic acid 139 retained).
Molecular consequence: synonymous variant.
Genome position (GRCh38, 1-based): chr2:110,169,911, T>C on the plus strand (A>G on the coding strand, the complement: NPHP1 is on the minus strand). VCF-style: chr2-110169911-T-C. GRCh37 (hg19) VCF-style: chr2-110927488-T-C.
Other names: c.417A>G, p.Glu139= (NM_000272.5, NM_001374256.1, NM_001374257.1 and 1 more transcripts); c.231A>G, p.Glu77= (NM_001128179.3); c.417A>G (NM_000272.3).
Identifiers: ClinVar variation 2778640 (VCV002778640.4), dbSNP rs1274150095, ClinGen allele CA427919355.

ClinVar aggregate classification (germline): Likely benign. Review status: criteria provided, multiple submitters, no conflicts (2 of 4 stars). 2 submissions from 2 submitters: Likely benign (2). Last evaluated 2026-07-23.

Conditions:
NPHP1-related disorder. Also called: NPHP1-related condition; NPHP1-related disorders.
Nephronophthisis. Also called: Juvenile Nephronophthisis. Identifiers: Orphanet 655, MedGen C0687120, MONDO:0019005, HP:0000090.

Allele frequency attached by ClinVar (database versions not stated): gnomAD exomes 0.00001.
gnomAD v4.1: 4 of 1,609,464 alleles (0.00025%); highest among the groups gnomAD compares: Non-Finnish European, 0.00034%; no homozygotes.

Submissions (2):

PreventionGenetics, part of Exact Sciences
Classification: Likely benign for NPHP1-related condition. Last evaluated: 2026-07-23. Review status: criteria provided, single submitter. Criteria: ACMG Guidelines, 2015. Collection method: clinical testing. Allele origin: germline.
Comment: This variant is classified as likely benign based on ACMG/AMP sequence variant interpretation guidelines (Richards et al. 2015 PMID: 25741868, with internal and published modifications).

Labcorp Genetics (formerly Invitae), Labcorp
Classification: Likely benign for Nephronophthisis. Last evaluated: 2025-12-28. Review status: criteria provided, single submitter. Criteria: Invitae Variant Classification Sherloc (09022015). Collection method: clinical testing. Allele origin: germline.